The following is an entry in ClinVar:

NM_001374828.1(ARID1B):c.2440G>A (p.Val814Ile)

Gene: ARID1B (AT-rich interaction domain 1B; plus strand). Cytogenetic location: 6q25.3.
Variant type: single nucleotide variant.
Coding change: c.2440G>A on transcript NM_001374828.1 (MANE Select); coding-DNA position 2440, G replaced by A.
Protein change: p.Val814Ile; replaces valine 814 with isoleucine.
Molecular consequence: missense variant. On other transcripts: 5 prime UTR variant (2).
Genome position (GRCh38, 1-based): chr6:157,084,854, G>A. VCF-style: chr6-157084854-G-A. GRCh37 (hg19) VCF-style: chr6-157405988-G-A.
Other names: c.-60G>A (NM_001363725.2, NM_001438488.1); c.2479G>A, p.Val827Ile (NM_001371656.1, NM_001374820.1); c.2440G>A, p.Val814Ile (NM_001438482.1, NM_001438485.1, NM_001438487.1 and 1 more transcripts); c.2482G>A, p.Val828Ile (NM_001438483.1, NM_001438486.1); c.2230G>A (NM_020732.3); short protein forms V814I, V827I, V828I.
Identifiers: ClinVar variation 4978187 (VCV004978187.1).
Genomic context (GRCh38, chr6:157,084,854, plus strand): 5'-GCGTCCCCTCATCTCTCCAGCATCCCGGGGGGCCCATCTCCCTCTCCTGTTGGCTCTCCT[G>A]TAGGAAGCAACCAGTCTCGATCTGGCCCAATCTCTCCTGCAAGTATCCCAGGTATTTACT-3'
Protein context (NP_001361757.1, residues 804-824): GPSPSPVGSP[Val814Ile]GSNQSRSGPI

ClinVar aggregate classification (germline): Likely benign (1 of 4 stars; one submission).

Conditions:
ARID1B-Related Disorder. Identifiers: MedGen CN381337.

gnomAD v4.1: 11 of 1,614,116 alleles (0.00068%); highest among the groups gnomAD compares: Non-Finnish European, 0.00093%; no homozygotes.

Submission:

PreventionGenetics, part of Exact Sciences
Classification: Likely benign for ARID1B-related condition. Last evaluated: 2026-07-17. Review status: criteria provided, single submitter. Criteria: ACMG Guidelines, 2015. Collection method: clinical testing. Allele origin: germline.
Comment: This variant is classified as likely benign based on ACMG/AMP sequence variant interpretation guidelines (Richards et al. 2015 PMID: 25741868, with internal and published modifications).